The following is an entry in ClinVar:

NM_000428.3(LTBP2):c.2899C>T (p.His967Tyr)

Gene: LTBP2 (latent transforming growth factor beta binding protein 2; minus strand). Cytogenetic location: 14q24.3.
Variant type: single nucleotide variant.
Coding change: c.2899C>T on transcript NM_000428.3 (MANE Select); coding-DNA position 2899, C replaced by T.
Protein change: p.His967Tyr; replaces histidine 967 with tyrosine.
Molecular consequence: missense variant.
Genome position (GRCh38, 1-based): chr14:74,516,831, G>A on the plus strand (C>T on the coding strand, the complement: LTBP2 is on the minus strand). VCF-style: chr14-74516831-G-A. GRCh37 (hg19) VCF-style: chr14-74983534-G-A.
Other names: c.2899C>T (NM_000428.2); short protein forms H967Y.
Identifiers: ClinVar variation 1440063 (VCV001440063.6), dbSNP rs2139704297, ClinGen allele CA390390337.

ClinVar aggregate classification (germline): Uncertain significance. Review status: criteria provided, multiple submitters, no conflicts (2 of 4 stars). 2 submissions from 2 submitters: Uncertain significance (2). Last evaluated 2025-09-01.

Conditions:
Inborn genetic diseases. Identifiers: MedGen C0950123, MeSH D030342.

Allele frequency attached by ClinVar (database versions not stated): gnomAD exomes below 0.00001.
gnomAD v4.1: 5 of 1,551,820 alleles (0.00032%); highest among the groups gnomAD compares: South Asian, 0.0012%; no homozygotes.

Submissions (2):

Ambry Genetics
Classification: Uncertain significance for Inborn genetic diseases. Last evaluated: 2025-09-01. Review status: criteria provided, single submitter. Criteria: Ambry Variant Classification Scheme 2023. Collection method: clinical testing. Allele origin: germline.

Labcorp Genetics (formerly Invitae), Labcorp
Classification: Uncertain significance. Last evaluated: 2021-09-01. Review status: criteria provided, single submitter. Criteria: Invitae Variant Classification Sherloc (09022015). Collection method: clinical testing. Allele origin: germline.
Comment: This sequence change replaces histidine with tyrosine at codon 967 of the LTBP2 protein (p.His967Tyr). The histidine residue is highly conserved and there is a moderate physicochemical difference between histidine and tyrosine. This variant is not present in population databases (ExAC no frequency). This variant has not been reported in the literature in individuals affected with LTBP2-related conditions. Algorithms developed to predict the effect of missense changes on protein structure and function (SIFT, PolyPhen-2, Align-GVGD) all suggest that this variant is likely to be disruptive. In summary, the available evidence is currently insufficient to determine the role of this variant in disease. Therefore, it has been classified as a Variant of Uncertain Significance.